The following is an entry in ClinVar:

ClinVar aggregate classification (germline): Uncertain significance (1 of 4 stars; one submission).

Allele frequency attached by ClinVar (database versions not stated): gnomAD exomes below 0.00001; ExAC 0.00001.
gnomAD v4.1: 3 of 1,614,120 alleles (0.00019%); highest among the groups gnomAD compares: South Asian, 0.0011%; no homozygotes.

Submission:

Labcorp Genetics (formerly Invitae), Labcorp
Classification: Uncertain significance. Last evaluated: 2022-10-05. Review status: criteria provided, single submitter. Criteria: Invitae Variant Classification Sherloc (09022015). Collection method: clinical testing. Allele origin: germline.
Comment: In summary, the available evidence is currently insufficient to determine the role of this variant in disease. Therefore, it has been classified as a Variant of Uncertain Significance. Variants that disrupt the consensus splice site are a relatively common cause of aberrant splicing (PMID: 17576681, 9536098). Algorithms developed to predict the effect of sequence changes on RNA splicing suggest that this variant is not likely to affect RNA splicing. ClinVar contains an entry for this variant (Variation ID: 1023466). This variant has not been reported in the literature in individuals affected with IFT43-related conditions. This variant is present in population databases (rs780739759, gnomAD 0.003%). This sequence change falls in intron 6 of the IFT43 gene. It does not directly change the encoded amino acid sequence of the IFT43 protein. It affects a nucleotide within the consensus splice site.

Literature cited by the submitters: PubMed 17576681; PubMed 9536098.

NM_001102564.3(IFT43):c.445-3C>T

Gene: IFT43 (intraflagellar transport 43; plus strand). Cytogenetic location: 14q24.3.
Variant type: single nucleotide variant.
Coding change: c.445-3C>T on transcript NM_001102564.3 (MANE Select); 3 bases into the intron before coding-DNA position 445, C replaced by T.
Molecular consequence: intron variant.
Genome position (GRCh38, 1-based): chr14:76,083,224, C>T. VCF-style: chr14-76083224-C-T. GRCh37 (hg19) VCF-style: chr14-76549567-C-T.
Other names: c.460-3C>T (NM_052873.3).
Identifiers: ClinVar variation 1023466 (VCV001023466.10), dbSNP rs780739759, ClinGen allele CA7280904.
Genomic context (GRCh38, chr14:76,083,224, plus strand): 5'-AGAAAGAGTTGCCTGAAAGCCCTCAAGGTGCTCAGCCTGACCTTTTTTTGTTTGCATTCA[C>T]AGGATGGGGAGATCGACCTGAAACTCCTCACCAAAGTGCTCGCGCCGGAGCACGAAGTCC-3'